The following is an entry in ClinVar:

ClinVar aggregate classification (germline): Uncertain significance (1 of 4 stars; one submission).

gnomAD v4.1: 2 of 1,613,020 alleles (0.00012%); highest among the groups gnomAD compares: Non-Finnish European, 0.00017%; no homozygotes.

Submission:

Labcorp Genetics (formerly Invitae), Labcorp
Classification: Uncertain significance. Last evaluated: 2021-12-13. Review status: criteria provided, single submitter. Criteria: Invitae Variant Classification Sherloc (09022015). Collection method: clinical testing. Allele origin: germline.
Comment: This sequence change replaces proline, which is neutral and non-polar, with serine, which is neutral and polar, at codon 162 of the KMT2A protein (p.Pro162Ser). This variant is not present in population databases (gnomAD no frequency). This variant has not been reported in the literature in individuals affected with KMT2A-related conditions. Algorithms developed to predict the effect of missense changes on protein structure and function are either unavailable or do not agree on the potential impact of this missense change (SIFT: "Tolerated"; PolyPhen-2: "Probably Damaging"; Align-GVGD: "Class C0"). In summary, the available evidence is currently insufficient to determine the role of this variant in disease. Therefore, it has been classified as a Variant of Uncertain Significance.

NM_001197104.2(KMT2A):c.484C>T (p.Pro162Ser)

Gene: KMT2A (lysine methyltransferase 2A; plus strand). Cytogenetic location: 11q23.3.
Variant type: single nucleotide variant.
Coding change: c.484C>T on transcript NM_001197104.2 (MANE Select); coding-DNA position 484, C replaced by T.
Protein change: p.Pro162Ser; replaces proline 162 with serine.
Molecular consequence: missense variant.
Genome position (GRCh38, 1-based): chr11:118,468,826, C>T. VCF-style: chr11-118468826-C-T. GRCh37 (hg19) VCF-style: chr11-118339541-C-T.
Other names: c.583C>T, p.Pro195Ser (NM_001412597.1); c.484C>T, p.Pro162Ser (NM_005933.4); short protein forms P195S, P162S.
Identifiers: ClinVar variation 2041958 (VCV002041958.4), dbSNP rs1555034791, ClinGen allele CA382803713.